The following is an entry in ClinVar:

NM_004525.3(LRP2):c.5657A>G (p.Tyr1886Cys)

Gene: LRP2 (LDL receptor related protein 2; minus strand). Cytogenetic location: 2q31.1.
Variant type: single nucleotide variant.
Coding change: c.5657A>G on transcript NM_004525.3 (MANE Select); coding-DNA position 5657, A replaced by G.
Protein change: p.Tyr1886Cys; replaces tyrosine 1886 with cysteine.
Molecular consequence: missense variant.
Genome position (GRCh38, 1-based): chr2:169,216,422, T>C on the plus strand (A>G on the coding strand, the complement: LRP2 is on the minus strand). VCF-style: chr2-169216422-T-C. GRCh37 (hg19) VCF-style: chr2-170072932-T-C.
Other names: short protein forms Y1886C.
Identifiers: ClinVar variation 684511 (VCV000684511.3), dbSNP rs1574143454, ClinGen allele CA349136334.

ClinVar aggregate classification (germline): Uncertain significance (1 of 4 stars; one submission).

Conditions:
Donnai-Barrow syndrome. Also called: DBS/FOAR SYNDROME; FACIOOCULOACOUSTICORENAL SYNDROME. Identifiers: Orphanet 2143, MedGen C1857277, MONDO:0009104, OMIM 222448.

Submission:

Myriad Genetics, Inc.
Classification: Uncertain significance for Donnai-Barrow syndrome. Last evaluated: 2025-09-03. Review status: criteria provided, single submitter. Criteria: Myriad Autosomal Dominant, Autosomal Recessive and X-Linked Classification Criteria (2023). Collection method: clinical testing. Allele origin: unknown.
Comment: NM_004525.2(LRP2):c.5657A>G(Y1886C) is a missense variant classified as a variant of uncertain significance in the context of Donnai-Barrow syndrome. Y1886C has not been observed in cases with relevant disease. Relevant functional assessments of this variant are not available in the literature. Y1886C has not been observed in referenced population frequency databases. In summary, there is insufficient evidence to classify NM_004525.2(LRP2):c.5657A>G(Y1886C) as pathogenic or benign. Please note: this variant was assessed in the context of healthy population screening.